The following is an entry in ClinVar:

NM_004333.6(BRAF):c.980+2184C>G

Gene: BRAF (B-Raf proto-oncogene, serine/threonine kinase; minus strand). Cytogenetic location: 7q34.
Variant type: single nucleotide variant.
Coding change: c.980+2184C>G on transcript NM_004333.6 (MANE Select); 2184 bases into the intron after coding-DNA position 980, C replaced by G.
Molecular consequence: intron variant.
Genome position (GRCh38, 1-based): chr7:140,798,178, G>C on the plus strand (C>G on the coding strand, the complement: BRAF is on the minus strand). VCF-style: chr7-140798178-G-C. GRCh37 (hg19) VCF-style: chr7-140497978-G-C.
Other names: c.980+2184C>G (NM_001378474.1, NM_001378471.1, NM_001378468.1 and 4 more transcripts); c.878+2184C>G (NM_001378470.1); c.716+2184C>G (NM_001378475.1); c.989+2184C>G (NM_001378467.1); c.824+2184C>G (NM_001378472.1, NM_001378473.1).
Identifiers: ClinVar variation 5039509 (VCV005039509.1).

ClinVar aggregate classification (germline): Likely benign (1 of 4 stars; one submission).

gnomAD v4.1: 31 of 152,216 alleles (0.02%); highest among the groups gnomAD compares: South Asian, 0.64%; 1 homozygote.

Submission:

CeGaT Center for Human Genetics Tuebingen
Classification: Likely benign. Last evaluated: 2026-08-01. Review status: criteria provided, single submitter. Criteria: CeGaT Center For Human Genetics Tuebingen Variant Classification Criteria Version 2. Collection method: clinical testing. Allele origin: germline. Affected: yes. Observed: 1 variant allele.
Comment: BRAF: BS1